The following is an entry in ClinVar:

ClinVar aggregate classification (germline): Likely benign. Review status: criteria provided, multiple submitters, no conflicts (2 of 4 stars). 3 submissions from 3 submitters: Likely benign (3). Last evaluated 2025-07-23.

Conditions:
PEX3-related disorder. Also called: PEX3-related condition.

Allele frequency attached by ClinVar (database versions not stated): gnomAD 0.00002; gnomAD exomes 0.00002 and 0.00004; TOPMed 0.00002; ExAC 0.00004.
gnomAD v4.1: 31 of 1,610,086 alleles (0.0019%); highest among the groups gnomAD compares: Non-Finnish European, 0.0026%; no homozygotes.

Submissions (3):

PreventionGenetics, part of Exact Sciences
Classification: Likely benign for PEX3-related condition. Last evaluated: 2025-07-23. Review status: criteria provided, single submitter. Criteria: ACMG Guidelines, 2015. Collection method: clinical testing. Allele origin: germline.
Comment: This variant is classified as likely benign based on ACMG/AMP sequence variant interpretation guidelines (Richards et al. 2015 PMID: 25741868, with internal and published modifications).

Labcorp Genetics (formerly Invitae), Labcorp
Classification: Likely benign. Last evaluated: 2025-02-25. Review status: criteria provided, single submitter. Criteria: Invitae Variant Classification Sherloc (09022015). Collection method: clinical testing. Allele origin: germline.

CeGaT Center for Human Genetics Tuebingen
Classification: Likely benign. Last evaluated: 2024-06-01. Review status: criteria provided, single submitter. Criteria: CeGaT Center For Human Genetics Tuebingen Variant Classification Criteria Version 2. Collection method: clinical testing. Allele origin: germline. Affected: yes. Observed: 1 variant allele.
Comment: PEX3: BP4, BP7

NM_003630.3(PEX3):c.627A>G (p.Leu209=)

Gene: PEX3 (peroxisomal biogenesis factor 3; plus strand). Cytogenetic location: 6q24.2.
Variant type: single nucleotide variant.
Coding change: c.627A>G on transcript NM_003630.3 (MANE Select); coding-DNA position 627, A replaced by G.
Protein change: p.Leu209=; no amino-acid change (leucine 209 retained).
Molecular consequence: synonymous variant.
Genome position (GRCh38, 1-based): chr6:143,472,208, A>G. VCF-style: chr6-143472208-A-G. GRCh37 (hg19) VCF-style: chr6-143793345-A-G.
Other names: c.627A>G (NM_003630.2).
Identifiers: ClinVar variation 1528883 (VCV001528883.27), dbSNP rs764739386, ClinGen allele CA4029642.
Genomic context (GRCh38, chr6:143,472,208, plus strand): 5'-CTCTGTTTCTAGTGTTTCTCTTAAACATTCTTTGTCCCTTTTGGACTTGGAGCAAAAACT[A>G]AAAGAAATCAGAAATCTCGTTGAGCAGCATAAGTCTTCTTCTTGGATTAATAAAGATGGA-3'
Protein context (NP_003621.1, residues 199-219): SLSLLDLEQK[Leu209=]KEIRNLVEQH